The following is an entry in ClinVar:

NM_001999.4(FBN2):c.2198C>G (p.Pro733Arg)

Gene: FBN2 (fibrillin 2; minus strand). Cytogenetic location: 5q23.3.
Variant type: single nucleotide variant.
Coding change: c.2198C>G on transcript NM_001999.4 (MANE Select); coding-DNA position 2198, C replaced by G.
Protein change: p.Pro733Arg; replaces proline 733 with arginine.
Molecular consequence: missense variant.
Genome position (GRCh38, 1-based): chr5:128,369,232, G>C on the plus strand (C>G on the coding strand, the complement: FBN2 is on the minus strand). VCF-style: chr5-128369232-G-C. GRCh37 (hg19) VCF-style: chr5-127704925-G-C.
Other names: short protein forms P733R.
Identifiers: ClinVar variation 450715 (VCV000450715.13), dbSNP rs745528502, ClinGen allele CA3395618.

ClinVar aggregate classification (germline): Conflicting classifications of pathogenicity. Review status: criteria provided, conflicting classifications (1 of 4 stars). 3 submissions from 3 submitters: Uncertain significance (2); Likely benign (1). Last evaluated 2025-08-16.

Conditions:
Familial thoracic aortic aneurysm and aortic dissection (TAAD). Also called: Thoracic aortic aneurysms and dissections. Identifiers: Orphanet 91387, MedGen C4707243, MONDO:0019625.
Congenital contractural arachnodactyly (CCA). Also called: Beals-Hecht syndrome; Arthrogryposis, distal, type 9; BEALS SYNDROME. Identifiers: Orphanet 115, MedGen C0220668, MONDO:0007363, OMIM 121050.

Allele frequency attached by ClinVar (database versions not stated): TOPMed 0.00002; gnomAD exomes 0.00003 and 0.00007; ExAC 0.00005.
gnomAD v4.1: 20 of 1,614,128 alleles (0.0012%); highest among the groups gnomAD compares: Admixed American, 0.033%; no homozygotes.

Submissions (3):

Labcorp Genetics (formerly Invitae), Labcorp
Classification: Likely benign for Congenital contractural arachnodactyly. Last evaluated: 2025-08-16. Review status: criteria provided, single submitter. Criteria: Invitae Variant Classification Sherloc (09022015). Collection method: clinical testing. Allele origin: germline.

Ambry Genetics
Classification: Uncertain significance for Familial thoracic aortic aneurysm and aortic dissection. Last evaluated: 2022-06-06. Review status: criteria provided, single submitter. Criteria: Ambry Variant Classification Scheme 2023. Collection method: clinical testing. Allele origin: germline.
Comment: The p.P733R variant (also known as c.2198C>G), located in coding exon 16 of the FBN2 gene, results from a C to G substitution at nucleotide position 2198. The proline at codon 733 is replaced by arginine, an amino acid with dissimilar properties. This amino acid position is not well conserved in available vertebrate species. In addition, this alteration is predicted to be deleterious by in silico analysis. Since supporting evidence is limited at this time, the clinical significance of this alteration remains unclear.

GeneDx
Classification: Uncertain significance. Last evaluated: 2017-07-18. Review status: criteria provided, single submitter. Criteria: GeneDx Variant Classification (06012015). Collection method: clinical testing. Allele origin: germline. Affected: yes.
Comment: A variant of uncertain significance has been identified in the FBN2 gene. The P733R variant has not been published as pathogenic or been reported as benign to our knowledge. However, it has been observed in 6/11512 (0.05%) alleles from individuals of Latino ancestry in large population cohorts (Lek et al., 2016; 1000 Genomes Consortium et al., 2015; Exome Variant Server). The P733R variant is a non-conservative amino acid substitution, which is likely to impact secondary protein structure as these residues differ in polarity, charge, size and/or other properties. Additionally, this substitution occurs at a position that is conserved in mammals and in silico analysis predicts this variant is probably damaging to the protein structure/function. Nevertheless, P733R does not affect a Cysteine residue within a calcium-binding EGF-like domain of the FBN2 gene. Cysteine substitutions in the calcium-binding EGF-like domains represent the majority of pathogenic missense changes associated with FBN2-relatied disorders (Frederic et al., 2009).